The following is an entry in ClinVar:

ClinVar aggregate classification (germline): Uncertain significance (1 of 4 stars; one submission).

Submission:

Labcorp Genetics (formerly Invitae), Labcorp
Classification: Uncertain significance. Last evaluated: 2022-10-24. Review status: criteria provided, single submitter. Criteria: Invitae Variant Classification Sherloc (09022015). Collection method: clinical testing. Allele origin: germline.
Comment: This sequence change replaces alanine, which is neutral and non-polar, with aspartic acid, which is acidic and polar, at codon 510 of the LRPPRC protein (p.Ala510Asp). This variant is not present in population databases (gnomAD no frequency). This variant has not been reported in the literature in individuals affected with LRPPRC-related conditions. Advanced modeling of protein sequence and biophysical properties (such as structural, functional, and spatial information, amino acid conservation, physicochemical variation, residue mobility, and thermodynamic stability) has been performed at Invitae for this missense variant, however the output from this modeling did not meet the statistical confidence thresholds required to predict the impact of this variant on LRPPRC protein function. In summary, the available evidence is currently insufficient to determine the role of this variant in disease. Therefore, it has been classified as a Variant of Uncertain Significance.

NM_133259.4(LRPPRC):c.1529C>A (p.Ala510Asp)

Gene: LRPPRC (leucine rich pentatricopeptide repeat containing; minus strand). Cytogenetic location: 2p21.
Variant type: single nucleotide variant.
Coding change: c.1529C>A on transcript NM_133259.4 (MANE Select); coding-DNA position 1529, C replaced by A.
Protein change: p.Ala510Asp; replaces alanine 510 with aspartic acid.
Molecular consequence: missense variant.
Genome position (GRCh38, 1-based): chr2:43,960,594, G>T on the plus strand (C>A on the coding strand, the complement: LRPPRC is on the minus strand). VCF-style: chr2-43960594-G-T. GRCh37 (hg19) VCF-style: chr2-44187733-G-T.
Other names: short protein forms A510D.
Identifiers: ClinVar variation 2004946 (VCV002004946.4), dbSNP rs115693730, ClinGen allele CA346678775.